The following is an entry in ClinVar:

ClinVar aggregate classification (germline): Uncertain significance (1 of 4 stars; one submission).

Conditions:
Chédiak-Higashi syndrome (CHS). Also called: Chediak-Higashi Syndrome. Identifiers: Orphanet 167, MedGen C0007965, MONDO:0008963, OMIM 214500.

Submission:

Labcorp Genetics (formerly Invitae), Labcorp
Classification: Uncertain significance for Chédiak-Higashi syndrome. Last evaluated: 2022-07-23. Review status: criteria provided, single submitter. Criteria: Invitae Variant Classification Sherloc (09022015). Collection method: clinical testing. Allele origin: germline.
Comment: This sequence change replaces leucine, which is neutral and non-polar, with proline, which is neutral and non-polar, at codon 42 of the LYST protein (p.Leu42Pro). This variant is not present in population databases (gnomAD no frequency). This variant has not been reported in the literature in individuals affected with LYST-related conditions. Algorithms developed to predict the effect of missense changes on protein structure and function are either unavailable or do not agree on the potential impact of this missense change (SIFT: "Deleterious"; PolyPhen-2: "Probably Damaging"; Align-GVGD: "Class C0"). In summary, the available evidence is currently insufficient to determine the role of this variant in disease. Therefore, it has been classified as a Variant of Uncertain Significance.

NM_000081.4(LYST):c.125T>C (p.Leu42Pro)

Gene: LYST (lysosomal trafficking regulator; minus strand). Cytogenetic location: 1q42.3.
Variant type: single nucleotide variant.
Coding change: c.125T>C on transcript NM_000081.4 (MANE Select); coding-DNA position 125, T replaced by C.
Protein change: p.Leu42Pro; replaces leucine 42 with proline.
Molecular consequence: missense variant. On other transcripts: non-coding transcript variant (1).
Genome position (GRCh38, 1-based): chr1:235,830,293, A>G on the plus strand (T>C on the coding strand, the complement: LYST is on the minus strand). VCF-style: chr1-235830293-A-G. GRCh37 (hg19) VCF-style: chr1-235993593-A-G.
Other names: c.125T>C, p.Leu42Pro (NM_001301365.1); short protein forms L42P.
Identifiers: ClinVar variation 1713558 (VCV001713558.3), dbSNP rs2527300940, ClinGen allele CA344968878.
Genomic context (GRCh38, chr1:235,830,293, plus strand): 5'-ATTATAGAATTTAGCTTGGTAAGTAATAGAAATCCTCGACCATGGACAAGGTACTGTCCA[A>G]GGGTTGCCATGTGCGTCTCCTCCTCTTCTTCCTCCCTGGCCTCCACCCTCTGGACCACTG-3'
Protein context (NP_000072.2, residues 32-52): EEEEETHMAT[Leu42Pro]GQYLVHGRGF